The following is an entry in ClinVar:

ClinVar aggregate classification (germline): Uncertain significance (1 of 4 stars; one submission).

Conditions:
Leber congenital amaurosis 4 (LCA4). Identifiers: MedGen C1858386, MONDO:0011458, OMIM 604393.

Allele frequency attached by ClinVar (database versions not stated): gnomAD exomes 0.00001.

Submission:

Labcorp Genetics (formerly Invitae), Labcorp
Classification: Uncertain significance for Leber congenital amaurosis 4. Last evaluated: 2022-07-29. Review status: criteria provided, single submitter. Criteria: Invitae Variant Classification Sherloc (09022015). Collection method: clinical testing. Allele origin: germline.
Comment: In summary, the available evidence is currently insufficient to determine the role of this variant in disease. Therefore, it has been classified as a Variant of Uncertain Significance. Experimental studies and prediction algorithms are not available or were not evaluated, and the functional significance of this variant is currently unknown. This variant has not been reported in the literature in individuals affected with AIPL1-related conditions. This variant is not present in population databases (gnomAD no frequency). This sequence change creates a premature translational stop signal (p.Gln383*) in the AIPL1 gene. While this is not anticipated to result in nonsense mediated decay, it is expected to disrupt the last 2 amino acid(s) of the AIPL1 protein.

NM_014336.5(AIPL1):c.1147C>T (p.Gln383Ter)

Gene: AIPL1 (AIP like 1 HSP90 co-chaperone; minus strand). Cytogenetic location: 17p13.2.
Variant type: single nucleotide variant.
Coding change: c.1147C>T on transcript NM_014336.5 (MANE Select); coding-DNA position 1147, C replaced by T.
Protein change: p.Gln383Ter; replaces glutamine 383 with a stop codon.
Molecular consequence: nonsense. On other transcripts: 3 prime UTR variant (1).
Genome position (GRCh38, 1-based): chr17:6,425,468, G>A on the plus strand (C>T on the coding strand, the complement: AIPL1 is on the minus strand). VCF-style: chr17-6425468-G-A. GRCh37 (hg19) VCF-style: chr17-6328788-G-A.
Other names: c.958C>T, p.Gln320Ter (NM_001033054.3); c.967C>T, p.Gln323Ter (NM_001033055.3); c.1111C>T, p.Gln371Ter (NM_001285399.3); c.1081C>T, p.Gln361Ter (NM_001285400.3); c.1075C>T, p.Gln359Ter (NM_001285401.3); c.1030C>T, p.Gln344Ter (NM_001285402.2); c.*1118C>T (NM_001285403.4); short protein forms Q323*, Q320*, Q361*, Q383*, Q344*, Q359*, Q371*.
Identifiers: ClinVar variation 1939858 (VCV001939858.5), dbSNP rs2543874334, ClinGen allele CA397394175.